The following is an entry in ClinVar:

ClinVar aggregate classification (germline): Likely pathogenic (1 of 4 stars; one submission).

Conditions:
Primary ciliary dyskinesia. Also called: Ciliary dyskinesia. Identifiers: Orphanet 244, MedGen C0008780, MONDO:0016575, HP:0012265.

Allele frequency attached by ClinVar (database versions not stated): TOPMed 0.00001; ExAC 0.00002; gnomAD 0.00002; gnomAD exomes 0.00002 and 0.00003; ESP Exome Variant Server 0.00008.
gnomAD v4.1: 41 of 1,612,566 alleles (0.0025%); highest among the groups gnomAD compares: Non-Finnish European, 0.0033%; no homozygotes.

Submission:

Labcorp Genetics (formerly Invitae), Labcorp
Classification: Likely pathogenic for Primary ciliary dyskinesia. Last evaluated: 2017-07-06. Review status: criteria provided, single submitter. Criteria: Invitae Variant Classification Sherloc (09022015). Collection method: clinical testing. Allele origin: germline.
Comment: This variant has not been reported in the literature in individuals with DNAH8-related disease. Algorithms developed to predict the effect of sequence changes on RNA splicing suggest that this variant may disrupt the consensus splice site, but this prediction has not been confirmed by published transcriptional studies. Donor and acceptor splice site variants typically lead to a loss of protein function (PMID: 16199547), and loss-of-function variants in DNAH8 are known to be pathogenic (PMID: 24307375). In summary, the currently available evidence indicates that the variant is pathogenic, but additional data are needed to prove that conclusively. Therefore, this variant has been classified as Likely Pathogenic. This variant is present in population databases (rs376576474, ExAC 0.003%). This sequence change affects a donor splice site in intron 15 of the DNAH8 gene. It is expected to disrupt RNA splicing and likely results in an absent or disrupted protein product.

Literature cited by the submitters: PubMed 16199547; PubMed 24307375.

NM_001206927.2(DNAH8):c.2139+1G>A

Gene: DNAH8 (dynein axonemal heavy chain 8; plus strand). Cytogenetic location: 6p21.2.
Variant type: single nucleotide variant.
Coding change: c.2139+1G>A on transcript NM_001206927.2 (MANE Select); the canonical splice donor site of the intron after coding-DNA position 2139, G replaced by A.
Molecular consequence: splice donor variant.
Genome position (GRCh38, 1-based): chr6:38,780,066, G>A. VCF-style: chr6-38780066-G-A. GRCh37 (hg19) VCF-style: chr6-38747842-G-A.
Other names: c.1488+1G>A (NM_001371.4).
Identifiers: ClinVar variation 454561 (VCV000454561.6), dbSNP rs376576474, ClinGen allele CA3788416.